The following is an entry in ClinVar:

ClinVar aggregate classification (germline): Uncertain significance. Review status: criteria provided, multiple submitters, no conflicts (2 of 4 stars). 2 submissions from 2 submitters: Uncertain significance (2). Last evaluated 2025-03-13.

Conditions:
Spermatogenic failure 18. Identifiers: MedGen C4539783, MONDO:0054615, OMIM 617576.
Ciliary dyskinesia, primary, 37 (CILD37). Also called: CILIARY DYSKINESIA, PRIMARY, 37, WITH OR WITHOUT SITUS INVERSUS. Identifiers: MedGen C4539798, MONDO:0033204, OMIM 617577.

gnomAD v4.1: 1 of 1,612,204 alleles (0.000062%); highest among the groups gnomAD compares: Non-Finnish European, 0.000085%; no homozygotes.

Submissions (2):

GeneDx
Classification: Uncertain significance. Last evaluated: 2025-03-13. Review status: criteria provided, single submitter. Criteria: GeneDx Variant Classification Process June 2021. Collection method: clinical testing. Allele origin: germline. Affected: yes.
Comment: Not observed at significant frequency in large population cohorts (gnomAD); In silico analysis indicates that this missense variant does not alter protein structure/function; Has not been previously published as pathogenic or benign to our knowledge

Labcorp Genetics (formerly Invitae), Labcorp
Classification: Uncertain significance for Ciliary dyskinesia, primary, 37; Spermatogenic failure 18. Last evaluated: 2021-11-16. Review status: criteria provided, single submitter. Criteria: Invitae Variant Classification Sherloc (09022015). Collection method: clinical testing. Allele origin: germline.
Comment: In summary, the available evidence is currently insufficient to determine the role of this variant in disease. Therefore, it has been classified as a Variant of Uncertain Significance. Algorithms developed to predict the effect of missense changes on protein structure and function are either unavailable or do not agree on the potential impact of this missense change (SIFT: "Deleterious"; PolyPhen-2: "Benign"; Align-GVGD: "Class C25"). This variant has not been reported in the literature in individuals affected with DNAH1-related conditions. This variant is not present in population databases (gnomAD no frequency). This sequence change replaces isoleucine, which is neutral and non-polar, with valine, which is neutral and non-polar, at codon 1600 of the DNAH1 protein (p.Ile1600Val).

NM_015512.5(DNAH1):c.4798A>G (p.Ile1600Val)

Gene: DNAH1 (dynein axonemal heavy chain 1; plus strand). Cytogenetic location: 3p21.1.
Variant type: single nucleotide variant.
Coding change: c.4798A>G on transcript NM_015512.5 (MANE Select); coding-DNA position 4798, A replaced by G.
Protein change: p.Ile1600Val; replaces isoleucine 1600 with valine.
Molecular consequence: missense variant.
Genome position (GRCh38, 1-based): chr3:52,361,276, A>G. VCF-style: chr3-52361276-A-G. GRCh37 (hg19) VCF-style: chr3-52395292-A-G.
Other names: c.4798A>G (NM_015512.4); short protein forms I1600V.
Identifiers: ClinVar variation 1393368 (VCV001393368.6), dbSNP rs2153224368, ClinGen allele CA353134076.